The following is an entry in ClinVar:

NM_014314.4(RIGI):c.396_399del (p.Asn133fs)

Gene: RIGI (RNA sensor RIG-I; minus strand). Cytogenetic location: 9p21.1.
Variant type: Microsatellite.
Coding change: c.396_399del on transcript NM_014314.4 (MANE Select); coding-DNA positions 396 to 399, 4 bases deleted (TAAT; older notation c.396_399delTAAT).
Protein change: p.Asn133fs; shifts the reading frame from asparagine 133.
Molecular consequence: frameshift variant.
Genome position (GRCh38, 1-based): chr9:32,493,785-32,493,788, ATTA deleted on the plus strand (TAAT on the coding strand, the reverse complement: RIGI is on the minus strand); deleting any 4 consecutive bases within chr9:32,493,785-32,493,793 gives the same sequence; the c. name uses the placement nearest the transcript's 3' end. VCF-style (leftmost placement, unchanged base first): chr9-32493784-GATTA-G. GRCh37 (hg19) VCF-style: chr9-32493782-GATTA-G.
Other names: short protein forms N133fs.
Identifiers: ClinVar variation 932023 (VCV000932023.8), dbSNP rs760088776, ClinGen allele CA5020104.
Genomic context (GRCh38, chr9:32,493,784, plus strand): 5'-TTATTTCCCCCAATTTTAGTATTTTATATTAACTTACCTGTAGAATTTCTTCACATTCCT[GATTA>G]ATTAAACATTCAGACAGATCAGAAATGATATCGGTTGGGATAATTCTGGTTTTAAATTCT-3'

ClinVar aggregate classification (germline): Uncertain significance. Review status: criteria provided, multiple submitters, no conflicts (2 of 4 stars). 2 submissions from 2 submitters: Uncertain significance (2). Last evaluated 2022-06-27.

Conditions:
Singleton-Merten syndrome 2 (SGMRT2). Identifiers: Orphanet 85191, MedGen C4225380, MONDO:0014575, OMIM 616298.

Submissions (2):

Labcorp Genetics (formerly Invitae), Labcorp
Classification: Uncertain significance. Last evaluated: 2022-06-27. Review status: criteria provided, single submitter. Criteria: Invitae Variant Classification Sherloc (09022015). Collection method: clinical testing. Allele origin: germline.
Comment: In summary, the available evidence is currently insufficient to determine the role of this variant in disease. Therefore, it has been classified as a Variant of Uncertain Significance. Experimental studies and prediction algorithms are not available or were not evaluated, and the functional significance of this variant is currently unknown. ClinVar contains an entry for this variant (Variation ID: 932023). This variant has not been reported in the literature in individuals affected with DDX58-related conditions. This variant is present in population databases (rs760088776, gnomAD 0.02%). This sequence change creates a premature translational stop signal (p.Asn133Argfs*15) in the DDX58 gene. It is expected to result in an absent or disrupted protein product. However, the current clinical and genetic evidence is not sufficient to establish whether loss-of-function variants in DDX58 cause disease.

Centre for Mendelian Genomics, University Medical Centre Ljubljana
Classification: Uncertain significance for Singleton-Merten syndrome 2. Last evaluated: 2019-07-09. Review status: criteria provided, single submitter. Criteria: ACMG Guidelines, 2015. Collection method: clinical testing. Allele origin: unknown. Affected: yes.
Comment: This variant was classified as: Uncertain significance. The available evidence on this variant's pathogenicity is insufficient or conflicting. The following ACMG criteria were applied in classifying this variant: No criteria apply.